The following is an entry in ClinVar:

NM_002890.3(RASA1):c.2375C>T (p.Thr792Ile)

Genes: CCNH (cyclin H; minus strand), RASA1 (RAS p21 protein activator 1; plus strand). Cytogenetic location: 5q14.3.
Variant type: single nucleotide variant.
Coding change: c.2375C>T on transcript NM_002890.3 (MANE Select); coding-DNA position 2375, C replaced by T.
Protein change: p.Thr792Ile; replaces threonine 792 with isoleucine.
Molecular consequence: missense variant. On other transcripts: intron variant (1).
Genome position (GRCh38, 1-based): chr5:87,378,426, C>T. VCF-style: chr5-87378426-C-T. GRCh37 (hg19) VCF-style: chr5-86674243-C-T.
Other names: c.1844C>T, p.Thr615Ile (NM_022650.3); c.933+16618G>A (NM_001364075.2); short protein forms T615I, T792I.
Identifiers: ClinVar variation 3781304 (VCV003781304.1).

ClinVar aggregate classification (germline): Uncertain significance (1 of 4 stars; one submission).

gnomAD v4.1: 1 of 1,613,112 alleles (0.000062%); highest among the groups gnomAD compares: Non-Finnish European, 0.000085%; no homozygotes.

Submission:

GeneDx
Classification: Uncertain significance. Last evaluated: 2024-10-21. Review status: criteria provided, single submitter. Criteria: GeneDx Variant Classification Process June 2021. Collection method: clinical testing. Allele origin: germline. Affected: yes.
Comment: Not observed at significant frequency in large population cohorts (gnomAD); In silico analysis supports that this missense variant has a deleterious effect on protein structure/function; Has not been previously published as pathogenic or benign to our knowledge